The following is an entry in ClinVar:

ClinVar aggregate classification (germline): Uncertain significance (1 of 4 stars; one submission).

Conditions:
Hereditary spastic paraplegia 11. Also called: SPASTIC PARAPLEGIA, AUTOSOMAL RECESSIVE, COMPLICATED, WITH THIN CORPUS CALLOSUM; SPASTIC PARAPLEGIA, AUTOSOMAL RECESSIVE, WITH MENTAL IMPAIRMENT AND THIN CORPUS CALLOSUM; Spastic Paraplegia 11; Nakamura Osame syndrome; Autosomal recessive hereditary spastic paraplegia, mental impairment, and thin corpus callosum; Spastic paraplegia, mental retardation and thin corpus callosum. Identifiers: Orphanet 2822, MedGen C1858479, MONDO:0011445, OMIM 604360.

Allele frequency attached by ClinVar (database versions not stated): gnomAD exomes below 0.00001; gnomAD 0.00001.
gnomAD v4.1: 5 of 1,613,696 alleles (0.00031%); highest among the groups gnomAD compares: Admixed American, 0.0067%; no homozygotes.

Submission:

Labcorp Genetics (formerly Invitae), Labcorp
Classification: Uncertain significance for Hereditary spastic paraplegia 11. Last evaluated: 2021-08-31. Review status: criteria provided, single submitter. Criteria: Invitae Variant Classification Sherloc (09022015). Collection method: clinical testing. Allele origin: germline.
Comment: This sequence change replaces valine with isoleucine at codon 1007 of the SPG11 protein (p.Val1007Ile). The valine residue is moderately conserved and there is a small physicochemical difference between valine and isoleucine. This variant is not present in population databases (ExAC no frequency). This variant has not been reported in the literature in individuals affected with SPG11-related conditions. Algorithms developed to predict the effect of missense changes on protein structure and function output the following: SIFT: "Tolerated"; PolyPhen-2: "Possibly Damaging"; Align-GVGD: "Class C0". The isoleucine amino acid residue is found in multiple mammalian species, which suggests that this missense change does not adversely affect protein function. In summary, the available evidence is currently insufficient to determine the role of this variant in disease. Therefore, it has been classified as a Variant of Uncertain Significance.

NM_025137.4(SPG11):c.3019G>A (p.Val1007Ile)

Gene: SPG11 (SPG11 vesicle trafficking associated, spatacsin; minus strand). Cytogenetic location: 15q21.1.
Variant type: single nucleotide variant.
Coding change: c.3019G>A on transcript NM_025137.4 (MANE Select); coding-DNA position 3019, G replaced by A.
Protein change: p.Val1007Ile; replaces valine 1007 with isoleucine.
Molecular consequence: missense variant.
Genome position (GRCh38, 1-based): chr15:44,615,382, C>T on the plus strand (G>A on the coding strand, the complement: SPG11 is on the minus strand). VCF-style: chr15-44615382-C-T. GRCh37 (hg19) VCF-style: chr15-44907580-C-T.
Other names: c.3019G>A, p.Val1007Ile (NM_001160227.2); short protein forms V1007I.
Identifiers: ClinVar variation 950257 (VCV000950257.7), dbSNP rs2083566874, ClinGen allele CA392229094.